The following is an entry in ClinVar:

NM_005609.4(PYGM):c.2078T>C (p.Met693Thr)

Gene: PYGM (glycogen phosphorylase, muscle associated; minus strand). Cytogenetic location: 11q13.1.
Variant type: single nucleotide variant.
Coding change: c.2078T>C on transcript NM_005609.4 (MANE Select); coding-DNA position 2078, T replaced by C.
Protein change: p.Met693Thr; replaces methionine 693 with threonine.
Molecular consequence: missense variant.
Genome position (GRCh38, 1-based): chr11:64,750,475, A>G on the plus strand (T>C on the coding strand, the complement: PYGM is on the minus strand). VCF-style: chr11-64750475-A-G. GRCh37 (hg19) VCF-style: chr11-64517947-A-G.
Other names: p.Met693Thr; c.1814T>C, p.Met605Thr (NM_001164716.1); short protein forms M693T, M605T.
Identifiers: ClinVar variation 573482 (VCV000573482.38), dbSNP rs200688234, ClinGen allele CA6079645.

ClinVar aggregate classification (germline): Uncertain significance. Review status: criteria provided, multiple submitters, no conflicts (2 of 4 stars). 9 submissions from 9 submitters: Uncertain significance (8). 1 of the submissions does not count toward it. Last evaluated 2024-11-06.

Conditions:
Inborn genetic diseases. Identifiers: MedGen C0950123, MeSH D030342.
Glycogen storage disease, type V (GSD5). Also called: MCARDLE DISEASE; MUSCLE GLYCOGEN PHOSPHORYLASE DEFICIENCY; MYOPHOSPHORYLASE DEFICIENCY; PYGM DEFICIENCY; McArdle type glycogen storage disease. Identifiers: Orphanet 368, MedGen C0017924, MONDO:0009293, OMIM 232600.

Allele frequency attached by ClinVar (database versions not stated): ExAC 0.00007; ESP Exome Variant Server 0.00008; gnomAD exomes 0.00008 and 0.00019; gnomAD 0.00015 and 0.00016; TOPMed 0.00021.

Submissions (9):

Blueprint Genetics
Classification: Uncertain significance. Last evaluated: 2024-11-06. Review status: criteria provided, single submitter. Criteria: ACMG Guidelines, 2015. Collection method: clinical testing. Allele origin: germline.

Fulgent Genetics
Classification: Uncertain significance for Glycogen storage disease, type V. Last evaluated: 2024-04-15. Review status: criteria provided, single submitter. Criteria: ACMG Guidelines, 2015. Collection method: clinical testing. Allele origin: germline.

Revvity Omics, Revvity
Classification: Uncertain significance for Glycogen storage disease, type V. Last evaluated: 2024-04-08. Review status: criteria provided, single submitter. Criteria: ACMG Guidelines, 2015. Collection method: clinical testing. Allele origin: germline.

CeGaT Center for Human Genetics Tuebingen
Classification: Uncertain significance. Last evaluated: 2023-12-01. Review status: criteria provided, single submitter. Criteria: CeGaT Center For Human Genetics Tuebingen Variant Classification Criteria Version 2. Collection method: clinical testing. Allele origin: germline. Affected: yes. Observed: 1 variant allele.
Comment: PYGM: PP3

Mayo Clinic Laboratories, Mayo Clinic
Classification: Uncertain significance. Last evaluated: 2023-06-01. Review status: criteria provided, single submitter. Criteria: ACMG Guidelines, 2015. Collection method: clinical testing. Allele origin: germline. Observed: 1 variant allele.
Comment: PP3

Ambry Genetics
Classification: Uncertain significance for Inborn genetic diseases. Last evaluated: 2023-05-23. Review status: criteria provided, single submitter. Criteria: Ambry Variant Classification Scheme 2023. Collection method: clinical testing. Allele origin: germline.

Labcorp Genetics (formerly Invitae), Labcorp
Classification: Uncertain significance for Glycogen storage disease, type V. Last evaluated: 2022-08-16. Review status: criteria provided, single submitter. Criteria: Invitae Variant Classification Sherloc (09022015). Collection method: clinical testing. Allele origin: germline.
Comment: This sequence change replaces methionine, which is neutral and non-polar, with threonine, which is neutral and polar, at codon 693 of the PYGM protein (p.Met693Thr). This variant is present in population databases (rs200688234, gnomAD 0.01%). This variant has not been reported in the literature in individuals affected with PYGM-related conditions. ClinVar contains an entry for this variant (Variation ID: 573482). Algorithms developed to predict the effect of missense changes on protein structure and function are either unavailable or do not agree on the potential impact of this missense change (SIFT: "Not Available"; PolyPhen-2: "Probably Damaging"; Align-GVGD: "Not Available"). In summary, the available evidence is currently insufficient to determine the role of this variant in disease. Therefore, it has been classified as a Variant of Uncertain Significance.

GeneDx
Classification: Uncertain significance. Last evaluated: 2021-02-15. Review status: criteria provided, single submitter. Criteria: GeneDx Variant Classification Process June 2021. Collection method: clinical testing. Allele origin: germline. Affected: yes.
Comment: Not observed at a significant frequency in large population cohorts (Lek et al., 2016); Missense variants in this gene are often considered pathogenic (Stenson et al., 2014); In silico analysis supports that this missense variant has a deleterious effect on protein structure/function; Has not been previously published as pathogenic or benign to our knowledge

Natera, Inc.
Classification: Uncertain significance for Glycogen storage disease V. Last evaluated: 2020-04-14. Review status: no assertion criteria provided. Collection method: clinical testing. Allele origin: germline. Not counted in ClinVar's aggregate classification.